The following is an entry in ClinVar:

NM_001709.5(BDNF):c.383G>A (p.Arg128His)

Genes: BDNF (brain derived neurotrophic factor; minus strand), BDNF-AS (BDNF antisense RNA; plus strand). Cytogenetic location: 11p14.1.
Variant type: single nucleotide variant.
Coding change: c.383G>A on transcript NM_001709.5 (MANE Select); coding-DNA position 383, G replaced by A.
Protein change: p.Arg128His; replaces arginine 128 with histidine.
Molecular consequence: missense variant.
Genome position (GRCh38, 1-based): chr11:27,658,182, C>T on the plus strand (G>A on the coding strand, the complement: BDNF is on the minus strand). VCF-style: chr11-27658182-C-T. GRCh37 (hg19) VCF-style: chr11-27679729-C-T.
Other names: c.383G>A, p.Arg128His (NM_001143805.1, NM_001143806.1, NM_001143807.2 and 9 more transcripts); c.470G>A, p.Arg157His (NM_001143809.2); c.629G>A, p.Arg210His (NM_001143810.2); c.407G>A, p.Arg136His (NM_170731.5); c.428G>A, p.Arg143His (NM_170734.4); short protein forms R210H, R143H, R128H, R136H, R157H.
Identifiers: ClinVar variation 4990067 (VCV004990067.1).

ClinVar aggregate classification (germline): Uncertain significance (1 of 4 stars; one submission).

Conditions:
BDNF-related disorder. Also called: BDNF-related condition.

Submission:

PreventionGenetics, part of Exact Sciences
Classification: Uncertain significance for BDNF-related condition. Last evaluated: 2024-10-07. Review status: criteria provided, single submitter. Criteria: ACMG Guidelines, 2015. Collection method: clinical testing. Allele origin: germline.
Comment: The BDNF c.629G>A variant is predicted to result in the amino acid substitution p.Arg210His. To our knowledge, this variant has not been reported in the literature or in a large population database, indicating this variant is rare. At this time, the clinical significance of this variant is uncertain due to the absence of conclusive functional and genetic evidence.